The following is an entry in ClinVar:

ClinVar aggregate classification (germline): Conflicting classifications of pathogenicity. Review status: criteria provided, conflicting classifications (1 of 4 stars). 2 submissions from 2 submitters: Likely pathogenic (1); Uncertain significance (1). Last evaluated 2024-09-23.

Conditions:
Elliptocytosis 1 (EL1). Also called: 4.1- TRAIT; 4.1-MINUS TRAIT; ELLIPTOCYTOSIS, RHESUS-LINKED TYPE; PROTEIN 4.1 OF ERYTHROCYTE MEMBRANE, DEFECT OF. Identifiers: Orphanet 288, MedGen C2678497, MONDO:0012731, OMIM 611804.

Allele frequency attached by ClinVar (database versions not stated): TOPMed 0.00001; gnomAD exomes 0.00001.
gnomAD v4.1: 30 of 1,551,064 alleles (0.0019%); highest among the groups gnomAD compares: Non-Finnish European, 0.0026%; no homozygotes.

Submissions (2):

GeneDx
Classification: Uncertain significance. Last evaluated: 2024-09-23. Review status: criteria provided, single submitter. Criteria: GeneDx Variant Classification Process June 2021. Collection method: clinical testing. Allele origin: germline. Affected: yes.
Comment: Canonical splice site variant predicted to result in an in-frame loss of the adjacent exon in a gene for which loss of function is a known mechanism of disease; Has not been previously published as pathogenic or benign to our knowledge; Reported using an alternate transcript of the gene

Molecular Diagnostics Laboratory, M Health Fairview: University of Minnesota
Classification: Likely pathogenic for Elliptocytosis 1. Last evaluated: 2019-06-27. Review status: criteria provided, single submitter. Criteria: ACMG Guidelines, 2015. Collection method: clinical testing. Allele origin: germline. Affected: yes. Observed: 1 variant allele.

NM_001376013.1(EPB41):c.1944+1G>C

Gene: EPB41 (erythrocyte membrane protein band 4.1; plus strand). Cytogenetic location: 1p35.3.
Variant type: single nucleotide variant.
Coding change: c.1944+1G>C on transcript NM_001376013.1 (MANE Select); the canonical splice donor site of the intron after coding-DNA position 1944, G replaced by C.
Molecular consequence: splice donor variant. On other transcripts: intron variant (11).
Genome position (GRCh38, 1-based): chr1:29,058,853, G>C. VCF-style: chr1-29058853-G-C. GRCh37 (hg19) VCF-style: chr1-29385365-G-C.
Other names: c.1275+208G>C (NM_203342.3); c.1944+1G>C (NM_001166005.2, NM_001376017.1, NM_001376016.1 and 1 more transcripts); c.1740+5541G>C (NM_203343.3); c.1219-1569G>C (NM_004437.4); c.1317+1G>C (NM_001376022.1, NM_001376024.1, NM_001376023.1 and 1 more transcripts); c.1218+5541G>C (NM_001166007.2, NM_001376027.1); c.1272+208G>C (NM_001376026.1); c.1215+5541G>C (NM_001376028.1); and 3 more.
Identifiers: ClinVar variation 804342 (VCV000804342.2), dbSNP rs1477424620, ClinGen allele CA339526522.
Genomic context (GRCh38, chr1:29,058,853, plus strand): 5'-TAAATTATGGCAAAACAGAAGCTTGCAGAAAAAACTGAAGATCTGATAAGAATGAGGAAG[G>C]TTAGCCATTTTTCACTTTCACAAAACTACATTGCCATTTCACCCATGCTGACTTACAGTG-3'